The following is an entry in ClinVar:

ClinVar aggregate classification (germline): Conflicting classifications of pathogenicity. Review status: criteria provided, conflicting classifications (1 of 4 stars). 2 submissions from 2 submitters: Uncertain significance (1); Benign (1). Last evaluated 2025-09-10.

Conditions:
Tuberous sclerosis 1 (TSC1). Identifiers: Orphanet 805, MedGen C1854465, MONDO:0008612, OMIM 191100.
Hereditary cancer-predisposing syndrome. Also called: Neoplastic Syndromes, Hereditary; Hereditary Cancer Syndrome; Tumor predisposition; Hereditary neoplastic syndrome. Identifiers: Orphanet 140162, MedGen C0027672, MeSH D009386, MONDO:0015356.

Allele frequency attached by ClinVar (database versions not stated): gnomAD exomes below 0.00001.
gnomAD v4.1: 1 of 1,613,808 alleles (0.000062%); highest among the groups gnomAD compares: East Asian, 0.0022%; no homozygotes.

Submissions (2):

Labcorp Genetics (formerly Invitae), Labcorp
Classification: Benign for Tuberous sclerosis 1. Last evaluated: 2025-09-10. Review status: criteria provided, single submitter. Criteria: Invitae Variant Classification Sherloc (09022015). Collection method: clinical testing. Allele origin: germline.

Ambry Genetics
Classification: Uncertain significance for Hereditary cancer-predisposing syndrome. Last evaluated: 2024-10-11. Review status: criteria provided, single submitter. Criteria: Ambry Variant Classification Scheme 2023. Collection method: clinical testing. Allele origin: germline.
Comment: The p.Q325E variant (also known as c.973C>G), located in coding exon 8 of the TSC1 gene, results from a C to G substitution at nucleotide position 973. The glutamine at codon 325 is replaced by glutamic acid, an amino acid with highly similar properties. This amino acid position is highly conserved in available vertebrate species. In addition, the in silico prediction for this alteration is inconclusive. Based on the available evidence, the clinical significance of this variant remains unclear.

NM_000368.5(TSC1):c.973C>G (p.Gln325Glu)

Gene: TSC1 (TSC complex subunit 1; minus strand). Cytogenetic location: 9q34.13.
Variant type: single nucleotide variant.
Coding change: c.973C>G on transcript NM_000368.5 (MANE Select); coding-DNA position 973, C replaced by G.
Protein change: p.Gln325Glu; replaces glutamine 325 with glutamic acid.
Molecular consequence: missense variant.
Genome position (GRCh38, 1-based): chr9:132,911,509, G>C on the plus strand (C>G on the coding strand, the complement: TSC1 is on the minus strand). VCF-style: chr9-132911509-G-C. GRCh37 (hg19) VCF-style: chr9-135786896-G-C.
Other names: c.973C>G (NM_000368.4); c.973C>G, p.Gln325Glu (NM_001162426.2); c.820C>G, p.Gln274Glu (NM_001162427.2); c.610C>G, p.Gln204Glu (NM_001362177.2); short protein forms Q325E, Q204E, Q274E.
Identifiers: ClinVar variation 1464062 (VCV001464062.9), dbSNP rs118203474, ClinGen allele CA375368645.